The following is an entry in ClinVar:

ClinVar aggregate classification (germline): Uncertain significance. Review status: criteria provided, multiple submitters, no conflicts (2 of 4 stars). 4 submissions from 4 submitters: Uncertain significance (4). Last evaluated 2025-05-22.

Conditions:
TNXB-related disorder. Also called: TNXB-related condition.
Cardiovascular phenotype. Identifiers: MedGen CN230736.
Ehlers-Danlos syndrome (EDS). Identifiers: Orphanet 98249, MedGen C0013720, MONDO:0020066.

Allele frequency attached by ClinVar (database versions not stated): gnomAD 0.00001 and 0.00009; TOPMed 0.00001; 1000 Genomes Project 30x 0.00031; 1000 Genomes Project 0.00040.
gnomAD v4.1: 120 of 1,612,766 alleles (0.0074%); highest among the groups gnomAD compares: East Asian, 0.27%; 1 homozygote.

Submissions (4):

PreventionGenetics, part of Exact Sciences
Classification: Uncertain significance for TNXB-related condition. Last evaluated: 2025-05-22. Review status: criteria provided, single submitter. Criteria: ACMG Guidelines, 2015. Collection method: clinical testing. Allele origin: germline.
Comment: The TNXB c.6694G>A variant is predicted to result in the amino acid substitution p.Asp2232Asn. To our knowledge, this variant has not been reported in the literature. This variant is reported in 0.0056% of alleles in individuals of East Asian descent in gnomAD v2 (as displayed in the table above). However, in gnomAD v4 (available only on GRCh38), this variant is reported in 0.26% of alleles in that subpopulation, including 1 homozygote, which is likely too high to be an undocumented causative variant. Although we suspect that this variant may be benign, at this time, the clinical significance of this variant is uncertain due to the absence of conclusive functional and genetic evidence.

Ambry Genetics
Classification: Uncertain significance for Cardiovascular phenotype. Last evaluated: 2025-02-23. Review status: criteria provided, single submitter. Criteria: Ambry Variant Classification Scheme 2023. Collection method: clinical testing. Allele origin: germline.
Comment: The p.D2232N variant (also known as c.6694G>A), located in coding exon 18 of the TNXB gene, results from a G to A substitution at nucleotide position 6694. The aspartic acid at codon 2232 is replaced by asparagine, an amino acid with highly similar properties. This amino acid position is conserved. In addition, this alteration is predicted to be tolerated by in silico analysis. Since supporting evidence is limited at this time, the clinical significance of this alteration remains unclear.

GeneDx
Classification: Uncertain significance. Last evaluated: 2022-11-04. Review status: criteria provided, single submitter. Criteria: GeneDx Variant Classification Process June 2021. Collection method: clinical testing. Allele origin: germline. Affected: yes.
Comment: Has not been previously published as pathogenic or benign to our knowledge; Not observed at significant frequency in large population cohorts (gnomAD); In silico analysis supports that this missense variant does not alter protein structure/function

Genome Diagnostics Laboratory, The Hospital for Sick Children
Classification: Uncertain significance for Ehlers-Danlos syndrome. Last evaluated: 2021-01-04. Review status: criteria provided, single submitter. Criteria: ACMG Guidelines, 2015. Collection method: clinical testing. Allele origin: germline.

NM_001365276.2(TNXB):c.6694G>A (p.Asp2232Asn)

Gene: TNXB (tenascin XB; minus strand). Cytogenetic location: 6p21.33.
Variant type: single nucleotide variant.
Coding change: c.6694G>A on transcript NM_001365276.2 (MANE Select); coding-DNA position 6694, G replaced by A.
Protein change: p.Asp2232Asn; replaces aspartic acid 2232 with asparagine.
Molecular consequence: missense variant.
Genome position (GRCh38, 1-based): chr6:32,064,968, C>T on the plus strand (G>A on the coding strand, the complement: TNXB is on the minus strand). VCF-style: chr6-32064968-C-T. GRCh37 (hg19) VCF-style: chr6-32032745-C-T.
Other names: c.6694G>A, p.Asp2232Asn (NM_019105.8); short protein forms D2232N.
Identifiers: ClinVar variation 1702342 (VCV001702342.8), dbSNP rs571291130, ClinGen allele CA3734359.